The following is an entry in ClinVar:

NM_024642.5(GALNT12):c.1085G>A (p.Gly362Asp)

Gene: GALNT12 (polypeptide N-acetylgalactosaminyltransferase 12; plus strand). Cytogenetic location: 9q22.33.
Variant type: single nucleotide variant.
Coding change: c.1085G>A on transcript NM_024642.5 (MANE Select); coding-DNA position 1085, G replaced by A.
Protein change: p.Gly362Asp; replaces glycine 362 with aspartic acid.
Molecular consequence: missense variant.
Genome position (GRCh38, 1-based): chr9:98,837,021, G>A. VCF-style: chr9-98837021-G-A. GRCh37 (hg19) VCF-style: chr9-101599303-G-A.
Other names: short protein forms G362D.
Identifiers: ClinVar variation 2451761 (VCV002451761.2), dbSNP rs1836169569, ClinGen allele CA374219760.

ClinVar aggregate classification (germline): Uncertain significance (1 of 4 stars; one submission).

Submission:

Ambry Genetics
Classification: Uncertain significance. Last evaluated: 2022-11-26. Review status: criteria provided, single submitter. Criteria: Ambry Variant Classification Scheme 2023. Collection method: clinical testing. Allele origin: germline.
Comment: The p.G362D variant (also known as c.1085G>A), located in coding exon 6 of the GALNT12 gene, results from a G to A substitution at nucleotide position 1085. The glycine at codon 362 is replaced by aspartic acid, an amino acid with similar properties. This amino acid position is conserved. In addition, this alteration is predicted to be deleterious by in silico analysis. Since supporting evidence is limited at this time, the clinical significance of this alteration remains unclear.